The following is an entry in ClinVar:

NM_138711.6(PPARG):c.729+36G>A

Genes: PPARG (peroxisome proliferator activated receptor gamma; plus strand), LOC114803475 (PPARG eExon liver enhancer; plus strand). Cytogenetic location: 3p25.2.
Variant type: single nucleotide variant.
Coding change: c.729+36G>A on transcript NM_138711.6 (MANE Select); 36 bases into the intron after coding-DNA position 729, G replaced by A.
Molecular consequence: intron variant. On other transcripts: synonymous variant (2).
Genome position (GRCh38, 1-based): chr3:12,406,117, G>A. VCF-style: chr3-12406117-G-A. GRCh37 (hg19) VCF-style: chr3-12447616-G-A.
Other names: c.855G>A, p.Ala285= (NM_001354668.2); c.771G>A, p.Ala257= (NM_001354670.2); c.729+36G>A (NM_001354666.3, NM_138712.5, NM_005037.7 and 6 more transcripts); c.103-10587G>A (NM_001354669.2); c.653+118G>A (NM_001374266.1); c.819+36G>A (NM_015869.5, NM_001374265.1).
Identifiers: ClinVar variation 3042755 (VCV003042755.2), dbSNP rs199995596, ClinGen allele CA2258255.

ClinVar aggregate classification (germline): Likely benign (0 of 4 stars; one submission).

Conditions:
PPARG-related disorder. Also called: PPARG-related disorders; PPARG-related condition.

Allele frequency attached by ClinVar (database versions not stated): ESP Exome Variant Server 0.00023; gnomAD exomes 0.00025; gnomAD 0.00074; ExAC 0.00075; 1000 Genomes Project 0.00120; 1000 Genomes Project 30x 0.00125; TOPMed 0.00133.
gnomAD v4.1: 476 of 1,602,730 alleles (0.03%); highest among the groups gnomAD compares: Admixed American, 0.59%; no homozygotes.

Submission:

PreventionGenetics, part of Exact Sciences
Classification: Likely benign for PPARG-related condition. Last evaluated: 2021-05-24. Review status: no assertion criteria provided. Collection method: clinical testing. Allele origin: germline.
Comment: This variant is classified as likely benign based on ACMG/AMP sequence variant interpretation guidelines (Richards et al. 2015 PMID: 25741868, with internal and published modifications).